The following is an entry in ClinVar:

NM_000795.4(DRD2):c.70G>A (p.Gly24Arg)

Gene: DRD2 (dopamine receptor D2; minus strand). Cytogenetic location: 11q23.2.
Variant type: single nucleotide variant.
Coding change: c.70G>A on transcript NM_000795.4 (MANE Select); coding-DNA position 70, G replaced by A.
Protein change: p.Gly24Arg; replaces glycine 24 with arginine.
Molecular consequence: missense variant.
Genome position (GRCh38, 1-based): chr11:113,424,582, C>T on the plus strand (G>A on the coding strand, the complement: DRD2 is on the minus strand). VCF-style: chr11-113424582-C-T. GRCh37 (hg19) VCF-style: chr11-113295304-C-T.
Other names: c.70G>A, p.Gly24Arg (NM_016574.4); short protein forms G24R.
Identifiers: ClinVar variation 1429987 (VCV001429987.29), dbSNP rs747312255, ClinGen allele CA6281500.

ClinVar aggregate classification (germline): Conflicting classifications of pathogenicity. Review status: criteria provided, conflicting classifications (1 of 4 stars). 2 submissions from 2 submitters: Uncertain significance (1); Likely benign (1). Last evaluated 2025-09-01.

Conditions:
Dystonic disorder. Also called: Dystonia. Identifiers: MedGen C0013421, MONDO:0003441, HP:0001332.

Allele frequency attached by ClinVar (database versions not stated): ExAC 0.00002; TOPMed 0.00002; gnomAD exomes 0.00003.

Submissions (2):

CeGaT Center for Human Genetics Tuebingen
Classification: Likely benign. Last evaluated: 2025-09-01. Review status: criteria provided, single submitter. Criteria: CeGaT Center For Human Genetics Tuebingen Variant Classification Criteria Version 2. Collection method: clinical testing. Allele origin: germline. Affected: yes. Observed: 2 variant alleles.
Comment: DRD2: BP4

Labcorp Genetics (formerly Invitae), Labcorp
Classification: Uncertain significance for Dystonic disorder. Last evaluated: 2021-02-14. Review status: criteria provided, single submitter. Criteria: Invitae Variant Classification Sherloc (09022015). Collection method: clinical testing. Allele origin: germline.
Comment: This sequence change replaces glycine with arginine at codon 24 of the DRD2 protein (p.Gly24Arg). The glycine residue is moderately conserved and there is a moderate physicochemical difference between glycine and arginine. This variant is present in population databases (rs747312255, ExAC 0.004%). This variant has not been reported in the literature in individuals with DRD2-related conditions. Algorithms developed to predict the effect of missense changes on protein structure and function are either unavailable or do not agree on the potential impact of this missense change (SIFT: "Deleterious"; PolyPhen-2: "Benign"; Align-GVGD: "Class C0"). Algorithms developed to predict the effect of sequence changes on RNA splicing suggest that this variant may create or strengthen a splice site, but this prediction has not been confirmed by published transcriptional studies. In summary, the available evidence is currently insufficient to determine the role of this variant in disease. Therefore, it has been classified as a Variant of Uncertain Significance.